The following is an entry in ClinVar:

ClinVar aggregate classification (germline): Uncertain significance (1 of 4 stars; one submission).

Conditions:
Arrhythmogenic right ventricular dysplasia 9 (ARVD9). Also called: Arrhythmogenic Right Ventricular Dysplasia/Cardiomyopathy 9; ARRHYTHMOGENIC RIGHT VENTRICULAR DYSPLASIA, FAMILIAL, 9. Identifiers: MedGen C1836906, MONDO:0012180, OMIM 609040.

Allele frequency attached by ClinVar (database versions not stated): ESP Exome Variant Server 0.00008.

Submission:

Labcorp Genetics (formerly Invitae), Labcorp
Classification: Uncertain significance for Arrhythmogenic right ventricular dysplasia 9. Last evaluated: 2024-01-09. Review status: criteria provided, single submitter. Criteria: Invitae Variant Classification Sherloc (09022015). Collection method: clinical testing. Allele origin: germline.
Comment: This sequence change replaces isoleucine, which is neutral and non-polar, with phenylalanine, which is neutral and non-polar, at codon 819 of the PKP2 protein (p.Ile819Phe). This variant is not present in population databases (gnomAD no frequency). This variant has not been reported in the literature in individuals affected with PKP2-related conditions. Algorithms developed to predict the effect of missense changes on protein structure and function output the following: SIFT: "Not Available"; PolyPhen-2: "Benign"; Align-GVGD: "Not Available". The phenylalanine amino acid residue is found in multiple mammalian species, which suggests that this missense change does not adversely affect protein function. In summary, the available evidence is currently insufficient to determine the role of this variant in disease. Therefore, it has been classified as a Variant of Uncertain Significance.

NM_001005242.3(PKP2):c.2323A>T (p.Ile775Phe)

Gene: PKP2 (plakophilin 2; minus strand). Cytogenetic location: 12p11.21.
Variant type: single nucleotide variant.
Coding change: c.2323A>T on transcript NM_001005242.3 (MANE Select); coding-DNA position 2323, A replaced by T.
Protein change: p.Ile775Phe; replaces isoleucine 775 with phenylalanine.
Molecular consequence: missense variant. On other transcripts: intron variant (2).
Genome position (GRCh38, 1-based): chr12:32,796,143, T>A on the plus strand (A>T on the coding strand, the complement: PKP2 is on the minus strand). VCF-style: chr12-32796143-T-A. GRCh37 (hg19) VCF-style: chr12-32949077-T-A.
Other names: c.2158A>T, p.Ile720Phe (NM_001407156.1); c.1996A>T, p.Ile666Phe (NM_001407158.1, NM_001407159.1); c.2455A>T, p.Ile819Phe (NM_004572.4); c.2168-3412A>T (NM_001407155.1); c.1841-3412A>T (NM_001407160.1); short protein forms I666F, I720F, I775F, I819F.
Identifiers: ClinVar variation 2707434 (VCV002707434.1), dbSNP rs147653624, ClinGen allele CA235217991.
Genomic context (GRCh38, chr12:32,796,143, plus strand): 5'-CTGACGGGCAGAACTGAAGGACTTACGCATCGCCTGCACTAATGGCCATAATTTTCTGGA[T>A]GCCCCCGGTGTTTAGAAGGTCGCGTGCATTCTGGTAACTGTTTTGGATTATGTTGTTCAA-3'
Protein context (NP_001005242.2, residues 765-785): NARDLLNTGG[Ile775Phe]QKIMAISAGD